The following is an entry in ClinVar:

ClinVar aggregate classification (germline): Uncertain significance (1 of 4 stars; one submission).

Submission:

GeneDx
Classification: Uncertain significance. Last evaluated: 2025-06-13. Review status: criteria provided, single submitter. Criteria: GeneDx Variant Classification Process June 2021. Collection method: clinical testing. Allele origin: germline. Affected: yes.
Comment: Not observed at significant frequency in large population cohorts (gnomAD); In silico analysis supports that this missense variant has a deleterious effect on protein structure/function; Has not been previously published as pathogenic or benign to our knowledge

NM_001510.4(GRID2):c.1970C>A (p.Thr657Asn)

Gene: GRID2 (glutamate ionotropic receptor delta type subunit 2; plus strand). Cytogenetic location: 4q22.2.
Variant type: single nucleotide variant.
Coding change: c.1970C>A on transcript NM_001510.4 (MANE Select); coding-DNA position 1970, C replaced by A.
Protein change: p.Thr657Asn; replaces threonine 657 with asparagine.
Molecular consequence: missense variant.
Genome position (GRCh38, 1-based): chr4:93,490,750, C>A. VCF-style: chr4-93490750-C-A. GRCh37 (hg19) VCF-style: chr4-94411901-C-A.
Other names: c.1685C>A, p.Thr562Asn (NM_001286838.1); c.1970C>A, p.Thr657Asn (NM_001440459.1); short protein forms T562N, T657N.
Identifiers: ClinVar variation 4537695 (VCV004537695.1).